The following is an entry in ClinVar:

ClinVar aggregate classification (germline): Benign (1 of 4 stars; one submission).

Conditions:
Hereditary diffuse gastric adenocarcinoma (HDGC). Also called: DIFFUSE GASTRIC AND LOBULAR BREAST CANCER SYNDROME. Identifiers: Orphanet 26106, MedGen C1708349, MONDO:0007648, OMIM 137215.

Submission:

Myriad Genetics, Inc.
Classification: Benign for Hereditary diffuse gastric adenocarcinoma. Last evaluated: 2024-09-18. Review status: criteria provided, single submitter. Criteria: Myriad Autosomal Dominant, Autosomal Recessive and X-Linked Classification Criteria (2023). Collection method: clinical testing. Allele origin: unknown.
Comment: This variant is considered benign. This variant is a silent/synonymous amino acid change and it is not expected to impact splicing.

NM_004360.5(CDH1):c.1260T>G (p.Gly420=)

Gene: CDH1 (cadherin 1; plus strand). Cytogenetic location: 16q22.1.
Variant type: single nucleotide variant.
Coding change: c.1260T>G on transcript NM_004360.5 (MANE Select); coding-DNA position 1260, T replaced by G.
Protein change: p.Gly420=; no amino-acid change (glycine 420 retained).
Molecular consequence: synonymous variant. On other transcripts: 5 prime UTR variant (2), intron variant (1).
Genome position (GRCh38, 1-based): chr16:68,813,435, T>G. VCF-style: chr16-68813435-T-G. GRCh37 (hg19) VCF-style: chr16-68847338-T-G.
Other names: c.-356T>G (NM_001317185.2); c.-560T>G (NM_001317186.2); c.1137+1172T>G (NM_001317184.2).
Identifiers: ClinVar variation 3378631 (VCV003378631.1).